The following is an entry in ClinVar:

NM_001131016.2(CIZ1):c.1498+1G>T

Gene: CIZ1 (CDKN1A interacting zinc finger protein 1; minus strand). Cytogenetic location: 9q34.11.
Variant type: single nucleotide variant.
Coding change: c.1498+1G>T on transcript NM_001131016.2 (MANE Select); the canonical splice donor site of the intron after coding-DNA position 1498, G replaced by T.
Molecular consequence: splice donor variant.
Genome position (GRCh38, 1-based): chr9:128,178,708, C>A on the plus strand (G>T on the coding strand, the complement: CIZ1 is on the minus strand). VCF-style: chr9-128178708-C-A. GRCh37 (hg19) VCF-style: chr9-130940987-C-A.
Other names: c.1330+1G>T (NM_001131015.2); c.1498+1G>T (NM_012127.3); c.1588+1G>T (NM_001257975.2); c.1195+1G>T (NM_001257976.2); c.1258+1G>T (NM_001131018.2); c.1315+1G>T (NM_001131017.2).
Identifiers: ClinVar variation 2020560 (VCV002020560.4), dbSNP rs1254522037, ClinGen allele CA375026000.

ClinVar aggregate classification (germline): Uncertain significance (1 of 4 stars; one submission).

Conditions:
Dystonic disorder. Also called: Dystonia. Identifiers: MedGen C0013421, MONDO:0003441, HP:0001332.

Submission:

Labcorp Genetics (formerly Invitae), Labcorp
Classification: Uncertain significance for Dystonic disorder. Last evaluated: 2022-10-17. Review status: criteria provided, single submitter. Criteria: Invitae Variant Classification Sherloc (09022015). Collection method: clinical testing. Allele origin: germline.
Comment: In summary, the available evidence is currently insufficient to determine the role of this variant in disease. Therefore, it has been classified as a Variant of Uncertain Significance. Algorithms developed to predict the effect of sequence changes on RNA splicing suggest that this variant may disrupt the consensus splice site. This variant has not been reported in the literature in individuals affected with CIZ1-related conditions. This variant is not present in population databases (gnomAD no frequency). This sequence change affects a donor splice site in intron 8 of the CIZ1 gene. It is expected to disrupt RNA splicing. Variants that disrupt the donor or acceptor splice site typically lead to a loss of protein function (PMID: 16199547), however the current clinical and genetic evidence is not sufficient to establish whether loss-of-function variants in CIZ1 cause disease.

Literature cited by the submitters: PubMed 16199547.